The following is an entry in ClinVar:

ClinVar aggregate classification (germline): Uncertain significance (1 of 4 stars; one submission).

gnomAD v4.1: 1 of 1,614,158 alleles (0.000062%); highest among the groups gnomAD compares: Admixed American, 0.0017%; no homozygotes.

Submission:

Labcorp Genetics (formerly Invitae), Labcorp
Classification: Uncertain significance. Last evaluated: 2024-12-05. Review status: criteria provided, single submitter. Criteria: Invitae Variant Classification Sherloc (09022015). Collection method: clinical testing. Allele origin: germline.
Comment: This sequence change replaces glycine, which is neutral and non-polar, with valine, which is neutral and non-polar, at codon 1590 of the TCF20 protein (p.Gly1590Val). This variant is present in population databases (rs775358914, gnomAD 0.003%). This variant has not been reported in the literature in individuals affected with TCF20-related conditions. An algorithm developed to predict the effect of missense changes on protein structure and function (PolyPhen-2) suggests that this variant is likely to be tolerated. In summary, the available evidence is currently insufficient to determine the role of this variant in disease. Therefore, it has been classified as a Variant of Uncertain Significance.

NM_001378418.1(TCF20):c.4769G>T (p.Gly1590Val)

Gene: TCF20 (transcription factor 20; minus strand). Cytogenetic location: 22q13.2.
Variant type: single nucleotide variant.
Coding change: c.4769G>T on transcript NM_001378418.1 (MANE Select); coding-DNA position 4769, G replaced by T.
Protein change: p.Gly1590Val; replaces glycine 1590 with valine.
Molecular consequence: missense variant.
Genome position (GRCh38, 1-based): chr22:42,210,537, C>A on the plus strand (G>T on the coding strand, the complement: TCF20 is on the minus strand). VCF-style: chr22-42210537-C-A. GRCh37 (hg19) VCF-style: chr22-42606543-C-A.
Other names: c.4769G>T, p.Gly1590Val (NM_005650.4, NM_181492.3); short protein forms G1590V.
Identifiers: ClinVar variation 3627846 (VCV003627846.2).
Genomic context (GRCh38, chr22:42,210,537, plus strand): 5'-GGTTCTTGGGGTTCCACAATGGGAACTGCTTGTTTGGTTTTTCGCTTCCTCGGCTGGGCC[C>A]CAGGCTTCCTTCTCTCCCTCCTTTGCCTCTGTTTTTTTGGCTTTGGCTCTCCATCTGCAG-3'
Protein context (NP_001365347.1, residues 1580-1600): QRQRRERRKP[Gly1590Val]AQPRKRKTKQ